The following is an entry in ClinVar:

NM_016373.4(WWOX):c.790C>G (p.Arg264Gly)

Gene: WWOX (WW domain containing oxidoreductase; plus strand). Cytogenetic location: 16q23.1.
Variant type: single nucleotide variant.
Coding change: c.790C>G on transcript NM_016373.4 (MANE Select); coding-DNA position 790, C replaced by G.
Protein change: p.Arg264Gly; replaces arginine 264 with glycine.
Molecular consequence: missense variant.
Genome position (GRCh38, 1-based): chr16:78,425,054, C>G. VCF-style: chr16-78425054-C-G. GRCh37 (hg19) VCF-style: chr16-78458951-C-G.
Other names: c.451C>G, p.Arg151Gly (NM_001291997.2); short protein forms R264G, R151G.
Identifiers: ClinVar variation 1469506 (VCV001469506.7), dbSNP rs756762196, ClinGen allele CA396843009.

ClinVar aggregate classification (germline): Uncertain significance (1 of 4 stars; one submission).

Conditions:
Autosomal recessive spinocerebellar ataxia 12. Also called: SPINOCEREBELLAR ATAXIA WITH MENTAL RETARDATION AND EPILEPSY. Identifiers: Orphanet 284282, MedGen C3280452, MONDO:0013687, OMIM 614322.
Developmental and epileptic encephalopathy, 1 (DEE1). Also called: X-linked infantile spasms; West's syndrome; Tonic spasms with clustering, arrest of psychomotor development and hypsarrhythmia on EEG; X-Linked Infantile Spasm Syndrome; OHTAHARA SYNDROME, X-LINKED; INFANTILE SPASM SYNDROME, X-LINKED 1. Identifiers: MedGen C3463992, MONDO:0010632, OMIM 308350. Disease mechanism: loss of function.

gnomAD v4.1: 4 of 1,613,428 alleles (0.00025%); highest among the groups gnomAD compares: Non-Finnish European, 0.00034%; no homozygotes.

Submission:

Labcorp Genetics (formerly Invitae), Labcorp
Classification: Uncertain significance for Developmental and epileptic encephalopathy, 1; Autosomal recessive spinocerebellar ataxia 12. Last evaluated: 2022-07-19. Review status: criteria provided, single submitter. Criteria: Invitae Variant Classification Sherloc (09022015). Collection method: clinical testing. Allele origin: germline.
Comment: In summary, the available evidence is currently insufficient to determine the role of this variant in disease. Therefore, it has been classified as a Variant of Uncertain Significance. Algorithms developed to predict the effect of sequence changes on RNA splicing suggest that this variant may disrupt the consensus splice site. This sequence change replaces arginine, which is basic and polar, with glycine, which is neutral and non-polar, at codon 264 of the WWOX protein (p.Arg264Gly). This variant is present in population databases (no rsID available, gnomAD 0.007%). This variant has not been reported in the literature in individuals affected with WWOX-related conditions. ClinVar contains an entry for this variant (Variation ID: 1469506). Algorithms developed to predict the effect of missense changes on protein structure and function are either unavailable or do not agree on the potential impact of this missense change (SIFT: "Not Available"; PolyPhen-2: "Possibly Damaging"; Align-GVGD: "Not Available").